The following is an entry in ClinVar:

NM_006767.4(LZTR1):c.913_917dup (p.Leu307fs)

Gene: LZTR1 (leucine zipper like post translational regulator 1; plus strand). Cytogenetic location: 22q11.21.
Variant type: Duplication.
Coding change: c.913_917dup on transcript NM_006767.4 (MANE Select); coding-DNA positions 913 to 917, 5 bases duplicated (AACAC; older notation c.913_917dupAACAC).
Protein change: p.Leu307fs; shifts the reading frame from leucine 307.
Molecular consequence: frameshift variant.
Genome position (GRCh38, 1-based): chr22:20,991,749-20,991,753, AACAC duplicated; duplicating any 5 consecutive bases within chr22:20,991,747-20,991,753 gives the same sequence; the c. name uses the placement nearest the transcript's 3' end. VCF-style (leftmost placement, unchanged base first): chr22-20991746-G-GACAAC. GRCh37 (hg19) VCF-style: chr22-21346035-G-GACAAC.
Other names: short protein forms L307fs.
Identifiers: ClinVar variation 4726193 (VCV004726193.1).
Genomic context (GRCh38, chr22:20,991,746, plus strand): 5'-CGCTACGGGCATACCATGGTGGCCTTTGACCGCCACCTCTATGTGTTTGGGGGTGCGGCC[G>GACAAC]ACAACACGCTGCCCAACGAGCTGCACTGCTATGACGTGGACTTCCAGACCTGGGAGGTCG-3'

ClinVar aggregate classification (germline): Pathogenic (1 of 4 stars; one submission).

Submission:

Labcorp Genetics (formerly Invitae), Labcorp
Classification: Pathogenic. Last evaluated: 2025-08-29. Review status: criteria provided, single submitter. Criteria: Invitae Variant Classification Sherloc (09022015). Collection method: clinical testing. Allele origin: germline.
Comment: This sequence change creates a premature translational stop signal (p.Leu307Thrfs*46) in the LZTR1 gene. It is expected to result in an absent or disrupted protein product. Loss-of-function variants in LZTR1 are known to be pathogenic (PMID: 24362817, 25335493, 25480913, 25795793, 29469822, 30368668, 30442762, 30442766, 30481304, 30859559). This variant is not present in population databases (gnomAD no frequency). This variant has not been reported in the literature in individuals affected with LZTR1-related conditions. For these reasons, this variant has been classified as Pathogenic.

Literature cited by the submitters: PubMed 24362817; PubMed 25335493; PubMed 25480913; PubMed 25795793; PubMed 29469822; PubMed 30368668; PubMed 30442762; PubMed 30442766; PubMed 30481304; PubMed 30859559.